The following is an entry in ClinVar:

ClinVar aggregate classification (germline): Uncertain significance (1 of 4 stars; one submission).

Submission:

Ambry Genetics
Classification: Uncertain significance. Last evaluated: 2024-12-18. Review status: criteria provided, single submitter. Criteria: Ambry Variant Classification Scheme 2023. Collection method: clinical testing. Allele origin: germline.
Comment: The p.E238D variant (also known as c.714G>C), located in coding exon 7 of the ILK gene, results from a G to C substitution at nucleotide position 714. The glutamic acid at codon 238 is replaced by aspartic acid, an amino acid with highly similar properties. This amino acid position is conserved. In addition, this alteration is predicted to be deleterious by in silico analysis. Based on the available evidence, the clinical significance of this variant remains unclear.

NM_004517.4(ILK):c.714G>C (p.Glu238Asp)

Genes: ILK (integrin linked kinase; plus strand), TAF10 (TATA-box binding protein associated factor 10; minus strand). Cytogenetic location: 11p15.4.
Variant type: single nucleotide variant.
Coding change: c.714G>C on transcript NM_004517.4 (MANE Select); coding-DNA position 714, G replaced by C.
Protein change: p.Glu238Asp; replaces glutamic acid 238 with aspartic acid.
Molecular consequence: missense variant. On other transcripts: 3 prime UTR variant (1).
Genome position (GRCh38, 1-based): chr11:6,609,394, G>C. VCF-style: chr11-6609394-G-C. GRCh37 (hg19) VCF-style: chr11-6630625-G-C.
Other names: c.714G>C, p.Glu238Asp (NM_001014794.3, NM_001014795.3); c.531G>C, p.Glu177Asp (NM_001278441.2); c.312G>C, p.Glu104Asp (NM_001278442.2); c.*1528C>G (NM_006284.4); short protein forms E177D, E104D, E238D.
Identifiers: ClinVar variation 3860403 (VCV003860403.1).
Genomic context (GRCh38, chr11:6,609,394, plus strand): 5'-CGTGAAGGTGCTGAAGGTTCGAGACTGGAGTACAAGGAAGAGCAGGGACTTCAATGAAGA[G>C]TGTCCCCGGCTCAGGTAGTGCAAGGCGTAACCTGGAAGCTGCTAGTTCCAAGGAACCCTG-3'
Protein context (NP_004508.1, residues 228-248): STRKSRDFNE[Glu238Asp]CPRLRIFSHP